The following is an entry in ClinVar:

ClinVar aggregate classification (germline): Uncertain significance. Review status: criteria provided, multiple submitters, no conflicts (2 of 4 stars). 2 submissions from 2 submitters: Uncertain significance (2). Last evaluated 2025-09-27.

Conditions:
Hereditary cancer-predisposing syndrome. Also called: Neoplastic Syndromes, Hereditary; Tumor predisposition; Hereditary neoplastic syndrome; Hereditary Cancer Syndrome. Identifiers: Orphanet 140162, MedGen C0027672, MeSH D009386, MONDO:0015356.

Allele frequency attached by ClinVar (database versions not stated): gnomAD exomes below 0.00001; TOPMed below 0.00001.
gnomAD v4.1: 1 of 1,614,172 alleles (0.000062%); highest among the groups gnomAD compares: Non-Finnish European, 0.000085%; no homozygotes.

Submissions (2):

Labcorp Genetics (formerly Invitae), Labcorp
Classification: Uncertain significance. Last evaluated: 2025-09-27. Review status: criteria provided, single submitter. Criteria: Invitae Variant Classification Sherloc (09022015). Collection method: clinical testing. Allele origin: germline.
Comment: This sequence change replaces aspartic acid, which is acidic and polar, with glycine, which is neutral and non-polar, at codon 933 of the MSH3 protein (p.Asp933Gly). This variant is not present in population databases (gnomAD no frequency). This variant has not been reported in the literature in individuals affected with MSH3-related conditions. ClinVar contains an entry for this variant (Variation ID: 641713). An algorithm developed to predict the effect of missense changes on protein structure and function (PolyPhen-2) suggests that this variant is likely to be disruptive. In summary, the available evidence is currently insufficient to determine the role of this variant in disease. Therefore, it has been classified as a Variant of Uncertain Significance.

Ambry Genetics
Classification: Uncertain significance for Hereditary cancer-predisposing syndrome. Last evaluated: 2023-06-24. Review status: criteria provided, single submitter. Criteria: Ambry Variant Classification Scheme 2023. Collection method: clinical testing. Allele origin: germline.
Comment: The p.D933G variant (also known as c.2798A>G), located in coding exon 20 of the MSH3 gene, results from an A to G substitution at nucleotide position 2798. The aspartic acid at codon 933 is replaced by glycine, an amino acid with similar properties. This amino acid position is well conserved in available vertebrate species. In addition, this alteration is predicted to be deleterious by in silico analysis. Since supporting evidence is limited at this time, the clinical significance of this alteration remains unclear.

NM_002439.5(MSH3):c.2798A>G (p.Asp933Gly)

Gene: MSH3 (mutS homolog 3; plus strand). Cytogenetic location: 5q14.1.
Variant type: single nucleotide variant.
Coding change: c.2798A>G on transcript NM_002439.5 (MANE Select); coding-DNA position 2798, A replaced by G.
Protein change: p.Asp933Gly; replaces aspartic acid 933 with glycine.
Molecular consequence: missense variant.
Genome position (GRCh38, 1-based): chr5:80,813,726, A>G. VCF-style: chr5-80813726-A-G. GRCh37 (hg19) VCF-style: chr5-80109545-A-G.
Other names: short protein forms D933G.
Identifiers: ClinVar variation 641713 (VCV000641713.11), dbSNP rs1485129801, ClinGen allele CA360274095.
Genomic context (GRCh38, chr5:80,813,726, plus strand): 5'-CCATCATGGCTCAGATTGGCTCCTATGTTCCTGCAGAAGAAGCGACAATTGGGATTGTGG[A>G]TGGCATTTTCACAAGGTAAGTACGTTAATTCAGCTTGCATATATTCTTGAAAATAAGTCA-3'
Protein context (NP_002430.3, residues 923-943): PAEEATIGIV[Asp933Gly]GIFTRMGAAD